The following is an entry in ClinVar:

ClinVar aggregate classification (germline): Uncertain significance (1 of 4 stars; one submission).

Conditions:
Inborn genetic diseases. Identifiers: MedGen C0950123, MeSH D030342.

Submission:

Ambry Genetics
Classification: Uncertain significance for Inborn genetic diseases. Last evaluated: 2024-05-31. Review status: criteria provided, single submitter. Criteria: Ambry Variant Classification Scheme 2023. Collection method: clinical testing. Allele origin: germline.
Comment: The p.V879D variant (also known as c.2636T>A), located in coding exon 20 of the BUB1B gene, results from a T to A substitution at nucleotide position 2636. The valine at codon 879 is replaced by aspartic acid, an amino acid with highly dissimilar properties. This amino acid position is conserved. In addition, this alteration is predicted to be deleterious by in silico analysis. Since supporting evidence is limited at this time, the clinical significance of this alteration remains unclear.

NM_001211.6(BUB1B):c.2636T>A (p.Val879Asp)

Gene: BUB1B (BUB1 mitotic checkpoint serine/threonine kinase B; plus strand). Cytogenetic location: 15q15.1.
Variant type: single nucleotide variant.
Coding change: c.2636T>A on transcript NM_001211.6 (MANE Select); coding-DNA position 2636, T replaced by A.
Protein change: p.Val879Asp; replaces valine 879 with aspartic acid.
Molecular consequence: missense variant.
Genome position (GRCh38, 1-based): chr15:40,213,432, T>A. VCF-style: chr15-40213432-T-A. GRCh37 (hg19) VCF-style: chr15-40505633-T-A.
Other names: short protein forms V879D.
Identifiers: ClinVar variation 1794120 (VCV001794120.3), dbSNP rs2542577089, ClinGen allele CA391686419.
Genomic context (GRCh38, chr15:40,213,432, plus strand): 5'-CAGTGTTGATTATTTATAACCTTTTGACAATAGTGGAGATGCTACACAAAGCAGAAATAG[T>A]CCATGGTGACTTGAGTCCAAGGTGTCTGATTCTCAGAAACAGGTTGGTCCTTTTCATTCT-3'
Protein context (NP_001202.5, residues 869-889): IVEMLHKAEI[Val879Asp]HGDLSPRCLI